The following is an entry in ClinVar:

ClinVar aggregate classification (germline): Likely benign. Review status: criteria provided, single submitter (1 of 4 stars). 2 submissions from 2 submitters: Likely benign (1). 1 of the submissions does not count toward it. Last evaluated 2023-10-17.

Conditions:
Glycogen storage disease, type VI (GSD6). Also called: HERS DISEASE; PHOSPHORYLASE DEFICIENCY GLYCOGEN-STORAGE DISEASE OF LIVER; Glycogen storage disease type 6; Hepatic glycogen phosphorylase deficiency; Glycogen storage disease type 6, due to phosphorylation; GSD VI. Identifiers: Orphanet 369, MedGen C0017925, MONDO:0009294, OMIM 232700.
PYGL-related disorder. Also called: PYGL-related condition.

Allele frequency attached by ClinVar (database versions not stated): gnomAD exomes below 0.00001; gnomAD 0.00001; TOPMed 0.00001.
gnomAD v4.1: 3 of 1,613,474 alleles (0.00019%); highest among the groups gnomAD compares: East Asian, 0.0045%; 1 homozygote.

Submissions (2):

Labcorp Genetics (formerly Invitae), Labcorp
Classification: Likely benign for Glycogen storage disease, type VI. Last evaluated: 2023-10-17. Review status: criteria provided, single submitter. Criteria: Invitae Variant Classification Sherloc (09022015). Collection method: clinical testing. Allele origin: germline.

PreventionGenetics, part of Exact Sciences
Classification: Likely benign for PYGL-related condition. Last evaluated: 2019-07-11. Review status: no assertion criteria provided. Collection method: clinical testing. Allele origin: germline. Not counted in ClinVar's aggregate classification.
Comment: This variant is classified as likely benign based on ACMG/AMP sequence variant interpretation guidelines (Richards et al. 2015 PMID: 25741868, with internal and published modifications).

NM_002863.5(PYGL):c.825C>T (p.Asn275=)

Gene: PYGL (glycogen phosphorylase L; minus strand). Cytogenetic location: 14q22.1.
Variant type: single nucleotide variant.
Coding change: c.825C>T on transcript NM_002863.5 (MANE Select); coding-DNA position 825, C replaced by T.
Protein change: p.Asn275=; no amino-acid change (asparagine 275 retained).
Molecular consequence: synonymous variant.
Genome position (GRCh38, 1-based): chr14:50,920,571, G>A on the plus strand (C>T on the coding strand, the complement: PYGL is on the minus strand). VCF-style: chr14-50920571-G-A. GRCh37 (hg19) VCF-style: chr14-51387289-G-A.
Other names: c.825C>T (NM_002863.4); c.723C>T, p.Asn241= (NM_001163940.2).
Identifiers: ClinVar variation 2716012 (VCV002716012.5), dbSNP rs1302019062, ClinGen allele CA486383757.